The following is an entry in ClinVar:

NM_019892.6(INPP5E):c.1108G>A (p.Val370Met)

Gene: INPP5E (inositol polyphosphate-5-phosphatase E; minus strand). Cytogenetic location: 9q34.3.
Variant type: single nucleotide variant.
Coding change: c.1108G>A on transcript NM_019892.6 (MANE Select); coding-DNA position 1108, G replaced by A.
Protein change: p.Val370Met; replaces valine 370 with methionine.
Molecular consequence: missense variant.
Genome position (GRCh38, 1-based): chr9:136,433,206, C>T on the plus strand (G>A on the coding strand, the complement: INPP5E is on the minus strand). VCF-style: chr9-136433206-C-T. GRCh37 (hg19) VCF-style: chr9-139327658-C-T.
Other names: c.1108G>A (NM_019892.5, NM_019892.4); c.1108G>A, p.Val370Met (NM_001318502.2); short protein forms V370M.
Identifiers: ClinVar variation 1348667 (VCV001348667.14), dbSNP rs147531141, ClinGen allele CA5336947.
Genomic context (GRCh38, chr9:136,433,206, plus strand): 5'-CGCGCCCACCTGAGCAGAACCAGATGAGGTCCCTGCGGATGAAGAGCGACATGTAGAGCA[C>T]GCCGTGGGCCGCCGAGGACAGCAGCACATAGTGCGGGCCCAGCGTCTCCTGCAGACGAGT-3'
Protein context (NP_063945.2, residues 360-380): YVLLSSAAHG[Val370Met]LYMSLFIRRD

ClinVar aggregate classification (germline): Uncertain significance. Review status: criteria provided, multiple submitters, no conflicts (2 of 4 stars). 5 submissions from 5 submitters: Uncertain significance (5). Last evaluated 2025-05-23.

Conditions:
Joubert syndrome. Also called: Familial aplasia of the vermis; JOUBERT-BOLTSHAUSER SYNDROME. Identifiers: Orphanet 475, MedGen C5979921, MONDO:0018772.
INPP5E-related disorder. Also called: INPP5E-related condition.
Inborn genetic diseases. Identifiers: MedGen C0950123, MeSH D030342.
MORM syndrome (MORMS). Identifiers: Orphanet 75858, MedGen C1857802, MONDO:0012423, OMIM 610156.
Joubert syndrome 1 (JBTS1). Also called: CEREBELLOPARENCHYMAL DISORDER IV; Cerebellooculorenal syndrome 1. Identifiers: MedGen C4551568, MONDO:0008944, OMIM 213300.

Allele frequency attached by ClinVar (database versions not stated): gnomAD 0.00002; gnomAD exomes 0.00003 and 0.00004; ExAC 0.00006; ESP Exome Variant Server 0.00008.
gnomAD v4.1: 41 of 1,568,320 alleles (0.0026%); highest among the groups gnomAD compares: Middle Eastern, 0.017%; no homozygotes.

Submissions (5):

Ambry Genetics
Classification: Uncertain significance for Inborn genetic diseases. Last evaluated: 2025-05-23. Review status: criteria provided, single submitter. Criteria: Ambry Variant Classification Scheme 2023. Collection method: clinical testing. Allele origin: germline.

PreventionGenetics, part of Exact Sciences
Classification: Uncertain significance for INPP5E-related condition. Last evaluated: 2024-10-14. Review status: criteria provided, single submitter. Criteria: ACMG Guidelines, 2015. Collection method: clinical testing. Allele origin: germline.
Comment: The INPP5E c.1108G>A variant is predicted to result in the amino acid substitution p.Val370Met. To our knowledge, this variant has not been reported in the literature. This variant is reported in 0.021% of alleles in individuals of African descent in gnomAD. At this time, the clinical significance of this variant is uncertain due to the absence of conclusive functional and genetic evidence.

Blueprint Genetics
Classification: Uncertain significance. Last evaluated: 2024-07-10. Review status: criteria provided, single submitter. Criteria: ACMG Guidelines, 2015. Collection method: clinical testing. Allele origin: germline.

Labcorp Genetics (formerly Invitae), Labcorp
Classification: Uncertain significance for Joubert syndrome. Last evaluated: 2023-07-10. Review status: criteria provided, single submitter. Criteria: Invitae Variant Classification Sherloc (09022015). Collection method: clinical testing. Allele origin: germline.
Comment: In summary, the available evidence is currently insufficient to determine the role of this variant in disease. Therefore, it has been classified as a Variant of Uncertain Significance. Advanced modeling of protein sequence and biophysical properties (such as structural, functional, and spatial information, amino acid conservation, physicochemical variation, residue mobility, and thermodynamic stability) performed at Invitae indicates that this missense variant is expected to disrupt INPP5E protein function. ClinVar contains an entry for this variant (Variation ID: 1348667). This variant has not been reported in the literature in individuals affected with INPP5E-related conditions. The frequency data for this variant in the population databases is considered unreliable, as metrics indicate poor data quality at this position in the gnomAD database. This sequence change replaces valine, which is neutral and non-polar, with methionine, which is neutral and non-polar, at codon 370 of the INPP5E protein (p.Val370Met).

Juno Genomics, Hangzhou Juno Genomics, Inc
Classification: Uncertain significance for Joubert syndrome 1; MORM syndrome. Review status: criteria provided, single submitter. Criteria: ACMG Guidelines, 2015. Collection method: clinical testing. Allele origin: germline.
Comment: Absent from controls (or at extremely low frequency if recessive) in Genome Aggregation Database.;Multiple lines of computational evidence support a deleterious effect on the gene or gene product.